The following is an entry in ClinVar:

ClinVar aggregate classification (germline): Likely benign. Review status: criteria provided, single submitter (1 of 4 stars). 2 submissions from 2 submitters: Likely benign (1). 1 of the submissions does not count toward it. Last evaluated 2025-05-25.

Conditions:
TUBGCP6-related disorder. Also called: TUBGCP6-related condition.

Allele frequency attached by ClinVar (database versions not stated): TOPMed 0.00001; gnomAD 0.00002 and 0.00003; gnomAD exomes 0.00003 and 0.00007; ExAC 0.00004; ESP Exome Variant Server 0.00015.

Submissions (2):

Labcorp Genetics (formerly Invitae), Labcorp
Classification: Likely benign. Last evaluated: 2025-05-25. Review status: criteria provided, single submitter. Criteria: Invitae Variant Classification Sherloc (09022015). Collection method: clinical testing. Allele origin: germline.

PreventionGenetics, part of Exact Sciences
Classification: Likely benign for TUBGCP6-related condition. Last evaluated: 2019-07-31. Review status: no assertion criteria provided. Collection method: clinical testing. Allele origin: germline. Not counted in ClinVar's aggregate classification.
Comment: This variant is classified as likely benign based on ACMG/AMP sequence variant interpretation guidelines (Richards et al. 2015 PMID: 25741868, with internal and published modifications).

NM_020461.4(TUBGCP6):c.2155-10T>C

Gene: TUBGCP6 (tubulin gamma complex component 6; minus strand). Cytogenetic location: 22q13.33.
Variant type: single nucleotide variant.
Coding change: c.2155-10T>C on transcript NM_020461.4 (MANE Select); 10 bases into the intron before coding-DNA position 2155, T replaced by C.
Molecular consequence: intron variant.
Genome position (GRCh38, 1-based): chr22:50,224,266, A>G on the plus strand (T>C on the coding strand, the complement: TUBGCP6 is on the minus strand). VCF-style: chr22-50224266-A-G. GRCh37 (hg19) VCF-style: chr22-50662695-A-G.
Identifiers: ClinVar variation 941773 (VCV000941773.10), dbSNP rs370415059, ClinGen allele CA10308328.
Genomic context (GRCh38, chr22:50,224,266, plus strand): 5'-GGCGTAGCTGAAGTCATCATCCAGCTCCTCCTGCCTGGCCGCCTGGCGTCGCTATAAAAC[A>G]CATAGAGCCTGGCCTGTGAAATCAGAACTGACAGGCGTGACCCCGCAGGGACAGGTCCTA-3'